The following is an entry in ClinVar:

ClinVar aggregate classification (germline): Uncertain significance (1 of 4 stars; one submission).

Conditions:
Cortical dysplasia-focal epilepsy syndrome (PTHSL1). Also called: Pitt-Hopkins-like syndrome 1. Identifiers: Orphanet 163681, Orphanet 221150, MedGen C2750246, MONDO:0012400, OMIM 610042.

Submission:

Labcorp Genetics (formerly Invitae), Labcorp
Classification: Uncertain significance for Cortical dysplasia-focal epilepsy syndrome. Last evaluated: 2022-01-21. Review status: criteria provided, single submitter. Criteria: Invitae Variant Classification Sherloc (09022015). Collection method: clinical testing. Allele origin: germline.
Comment: In summary, the available evidence is currently insufficient to determine the role of this variant in disease. Therefore, it has been classified as a Variant of Uncertain Significance. Algorithms developed to predict the effect of missense changes on protein structure and function are either unavailable or do not agree on the potential impact of this missense change (SIFT: "Deleterious"; PolyPhen-2: "Possibly Damaging"; Align-GVGD: "Class C0"). This variant has not been reported in the literature in individuals affected with CNTNAP2-related conditions. This variant is not present in population databases (gnomAD no frequency). This sequence change replaces cysteine, which is neutral and slightly polar, with tyrosine, which is neutral and polar, at codon 368 of the CNTNAP2 protein (p.Cys368Tyr).

NM_014141.6(CNTNAP2):c.1103G>A (p.Cys368Tyr)

Gene: CNTNAP2 (contactin associated protein 2; plus strand). Cytogenetic location: 7q35.
Variant type: single nucleotide variant.
Coding change: c.1103G>A on transcript NM_014141.6 (MANE Select); coding-DNA position 1103, G replaced by A.
Protein change: p.Cys368Tyr; replaces cysteine 368 with tyrosine.
Molecular consequence: missense variant.
Genome position (GRCh38, 1-based): chr7:147,132,264, G>A. VCF-style: chr7-147132264-G-A. GRCh37 (hg19) VCF-style: chr7-146829356-G-A.
Other names: short protein forms C368Y.
Identifiers: ClinVar variation 2088490 (VCV002088490.4), dbSNP rs1801390034, ClinGen allele CA369924490.